The following is an entry in ClinVar:

ClinVar aggregate classification (germline): Uncertain significance (1 of 4 stars; one submission).

Submission:

GeneDx
Classification: Uncertain significance. Last evaluated: 2024-05-02. Review status: criteria provided, single submitter. Criteria: GeneDx Variant Classification Process June 2021. Collection method: clinical testing. Allele origin: germline. Affected: yes.
Comment: Not observed at significant frequency in large population cohorts (gnomAD); In silico analysis supports that this missense variant has a deleterious effect on protein structure/function; Has not been previously published as pathogenic or benign to our knowledge

NM_005334.3(HCFC1):c.3842C>A (p.Pro1281His)

Gene: HCFC1 (host cell factor C1; minus strand). Cytogenetic location: Xq28.
Variant type: single nucleotide variant.
Coding change: c.3842C>A on transcript NM_005334.3 (MANE Select); coding-DNA position 3842, C replaced by A.
Protein change: p.Pro1281His; replaces proline 1281 with histidine.
Molecular consequence: missense variant.
Genome position (GRCh38, 1-based): chrX:153,954,557, G>T on the plus strand (C>A on the coding strand, the complement: HCFC1 is on the minus strand). VCF-style: chrX-153954557-G-T. GRCh37 (hg19) VCF-style: chrX-153220008-G-T.
Other names: c.3842C>A, p.Pro1281His (NM_001410705.1); short protein forms P1281H.
Identifiers: ClinVar variation 3375976 (VCV003375976.1).
Genomic context (GRCh38, chrX:153,954,557, plus strand): 5'-GTGCCTGTCTCGTGGGTCTCACATGGTGGGTTGGAGCAGACTTGGGTCACGGTGGCCGAG[G>T]GGCACAGCAGTGCCTCCAGGGCTGTCACAGTCACTGTGGTGCTGGGCGAGCCACCCTGGA-3'
Protein context (NP_005325.2, residues 1271-1291): TVTALEALLC[Pro1281His]SATVTQVCSN